The following is an entry in ClinVar:

NM_000308.4(CTSA):c.1254+6del

Gene: CTSA (cathepsin A; plus strand). Cytogenetic location: 20q13.12.
Variant type: Deletion.
Coding change: c.1254+6del on transcript NM_000308.4 (MANE Select); 6 bases into the intron after coding-DNA position 1254, one base deleted (G; older notation c.1254+6delG).
Molecular consequence: intron variant.
Genome position (GRCh38, 1-based): chr20:45,897,812, G deleted; the last of 2 consecutive G bases (chr20:45,897,811-45,897,812); deleting either gives the same sequence. VCF-style (leftmost placement, unchanged base first): chr20-45897810-AG-A. GRCh37 (hg19) VCF-style: chr20-44526449-AG-A.
Other names: c.1254+6delG (NM_000308.4); c.1254+6del (NM_001127695.3); c.1203+6del (NM_001167594.3).
Identifiers: ClinVar variation 1395434 (VCV001395434.5), dbSNP rs1433470100, ClinGen allele CA744836517.

ClinVar aggregate classification (germline): Uncertain significance. Review status: criteria provided, multiple submitters, no conflicts (2 of 4 stars). 2 submissions from 2 submitters: Uncertain significance (2). Last evaluated 2026-01-22.

Conditions:
Combined deficiency of sialidase AND beta galactosidase (GSL). Also called: NEURAMINIDASE DEFICIENCY WITH BETA-GALACTOSIDASE DEFICIENCY; NEURAMINIDASE/BETA-GALACTOSIDASE EXPRESSION; PPCA DEFICIENCY; PROTECTIVE PROTEIN/CATHEPSIN A DEFICIENCY; Galactosialidosis; CATHEPSIN A DEFICIENCY. Identifiers: Orphanet 351, MedGen C0268233, MONDO:0009737, OMIM 256540.

Submissions (2):

Women's Health and Genetics/Laboratory Corporation of America, LabCorp
Classification: Uncertain significance. Last evaluated: 2026-01-22. Review status: criteria provided, single submitter. Criteria: LabCorp Variant Classification Summary - May 2015. Collection method: clinical testing. Allele origin: germline.

Labcorp Genetics (formerly Invitae), Labcorp
Classification: Uncertain significance for Combined deficiency of sialidase AND beta galactosidase. Last evaluated: 2021-12-02. Review status: criteria provided, single submitter. Criteria: Invitae Variant Classification Sherloc (09022015). Collection method: clinical testing. Allele origin: germline.
Comment: This sequence change falls in intron 13 of the CTSA gene. It does not directly change the encoded amino acid sequence of the CTSA protein. It affects a nucleotide within the consensus splice site. This variant is not present in population databases (gnomAD no frequency). This variant has not been reported in the literature in individuals affected with CTSA-related conditions. Variants that disrupt the consensus splice site are a relatively common cause of aberrant splicing (PMID: 17576681, 9536098). Experimental studies and prediction algorithms are not available or were not evaluated, and the effect of this variant on mRNA splicing is currently unknown. In summary, the available evidence is currently insufficient to determine the role of this variant in disease. Therefore, it has been classified as a Variant of Uncertain Significance.

Literature cited by the submitters: PubMed 17576681 (cited by Labcorp Genetics (formerly Invitae), Labcorp); PubMed 9536098 (cited by Labcorp Genetics (formerly Invitae), Labcorp).